The following is an entry in ClinVar:

NM_003673.4(TCAP):c.110+48C>T

Gene: TCAP (titin-cap; plus strand). Cytogenetic location: 17q12.
Variant type: single nucleotide variant.
Coding change: c.110+48C>T on transcript NM_003673.4 (MANE Select); 48 bases into the intron after coding-DNA position 110, C replaced by T.
Molecular consequence: intron variant.
Genome position (GRCh38, 1-based): chr17:39,665,517, C>T. VCF-style: chr17-39665517-C-T. GRCh37 (hg19) VCF-style: chr17-37821770-C-T.
Identifiers: ClinVar variation 259120 (VCV000259120.3), dbSNP rs2941510, ClinGen allele CA8532845.

ClinVar aggregate classification (germline): Benign. Review status: criteria provided, multiple submitters, no conflicts (2 of 4 stars). 3 submissions from 3 submitters: Benign (3). Last evaluated 2018-06-19.

Allele frequency attached by ClinVar (database versions not stated): 1000 Genomes Project 0.03015; TOPMed 0.05295; gnomAD exomes 0.05468 and 0.03896; gnomAD 0.05382 and 0.05105; ESP Exome Variant Server 0.05946; 1000 Genomes Project 30x 0.02904; ExAC 0.04078.
gnomAD v4.1: 84,554 of 1,565,592 alleles (5.4%); highest among the groups gnomAD compares: African/African-American, 6.9%; 2,767 homozygotes.

Submissions (3):

GeneDx
Classification: Benign. Last evaluated: 2018-06-19. Review status: criteria provided, single submitter. Criteria: GeneDx Variant Classification (06012015). Collection method: clinical testing. Allele origin: germline. Affected: yes.
Comment: This variant is considered likely benign or benign based on one or more of the following criteria: it is a conservative change, it occurs at a poorly conserved position in the protein, it is predicted to be benign by multiple in silico algorithms, and/or has population frequency not consistent with disease.

Breakthrough Genomics
Classification: Benign. Review status: criteria provided, single submitter. Criteria: ACMG Guidelines, 2015. Collection method: not provided. Allele origin: germline. Inheritance: Autosomal recessive inheritance. Affected: yes.

PreventionGenetics, part of Exact Sciences
Classification: Benign. Review status: criteria provided, single submitter. Criteria: ACMG Guidelines, 2015. Collection method: clinical testing. Allele origin: germline.